The following is an entry in ClinVar:

ClinVar aggregate classification (germline): Benign/Likely benign. Review status: criteria provided, multiple submitters, no conflicts (2 of 4 stars). 3 submissions from 3 submitters: Benign (2); Likely benign (1). Last evaluated 2026-06-01.

Allele frequency attached by ClinVar (database versions not stated): gnomAD 0.00355 and 0.00386; 1000 Genomes Project 0.00359; 1000 Genomes Project 30x 0.00359; ESP Exome Variant Server 0.00360; TOPMed 0.00448.
gnomAD v4.1: 1,222 of 1,612,230 alleles (0.076%); highest among the groups gnomAD compares: African/African-American, 1.2%; 8 homozygotes.

Submissions (3):

CeGaT Center for Human Genetics Tuebingen
Classification: Likely benign. Last evaluated: 2026-06-01. Review status: criteria provided, single submitter. Criteria: CeGaT Center For Human Genetics Tuebingen Variant Classification Criteria Version 2. Collection method: clinical testing. Allele origin: germline. Affected: yes. Observed: 3 variant alleles.
Comment: SCYL1: BP4, BP7, BS1

Labcorp Genetics (formerly Invitae), Labcorp
Classification: Benign. Last evaluated: 2026-01-19. Review status: criteria provided, single submitter. Criteria: Invitae Variant Classification Sherloc (09022015). Collection method: clinical testing. Allele origin: germline.

Breakthrough Genomics
Classification: Benign. Review status: criteria provided, single submitter. Criteria: ACMG Guidelines, 2015. Collection method: not provided. Allele origin: germline. Inheritance: Autosomal recessive inheritance. Affected: yes.

NM_020680.4(SCYL1):c.1110G>A (p.Leu370=)

Gene: SCYL1 (SCY1 like pseudokinase 1; plus strand). Cytogenetic location: 11q13.1.
Variant type: single nucleotide variant.
Coding change: c.1110G>A on transcript NM_020680.4 (MANE Select); coding-DNA position 1110, G replaced by A.
Protein change: p.Leu370=; no amino-acid change (leucine 370 retained).
Molecular consequence: synonymous variant.
Genome position (GRCh38, 1-based): chr11:65,531,677, G>A. VCF-style: chr11-65531677-G-A. GRCh37 (hg19) VCF-style: chr11-65299148-G-A.
Other names: c.1110G>A, p.Leu370= (NM_001048218.2).
Identifiers: ClinVar variation 721009 (VCV000721009.33), dbSNP rs201426628, ClinGen allele CA6099704.